The following is an entry in ClinVar:

NM_000038.6(APC):c.1958G>T (p.Arg653Met)

Gene: APC (APC regulator of Wnt signaling pathway; plus strand). Cytogenetic location: 5q22.2.
Variant type: single nucleotide variant.
Coding change: c.1958G>T on transcript NM_000038.6 (MANE Select); coding-DNA position 1958, G replaced by T.
Protein change: p.Arg653Met; replaces arginine 653 with methionine.
Molecular consequence: missense variant.
Genome position (GRCh38, 1-based): chr5:112,835,165, G>T. VCF-style: chr5-112835165-G-T. GRCh37 (hg19) VCF-style: chr5-112170862-G-T.
Other names: c.1958G>T, p.Arg653Met (NM_001127510.3, NM_001354895.2); c.1904G>T, p.Arg635Met (NM_001127511.3); c.2012G>T, p.Arg671Met (NM_001354896.2); c.1988G>T, p.Arg663Met (NM_001354897.2); c.1883G>T, p.Arg628Met (NM_001354898.2); c.1874G>T, p.Arg625Met (NM_001354899.2); c.1835G>T, p.Arg612Met (NM_001354900.2); c.1781G>T, p.Arg594Met (NM_001354901.2); and 5 more; short protein forms R635M, R653M, R370M, R594M, R671M, R663M, R527M, R562M.
Identifiers: ClinVar variation 411463 (VCV000411463.14), dbSNP rs1060503318, ClinGen allele CA16025598.
Genomic context (GRCh38, chr5:112,835,165, plus strand): 5'-AAAGTGGAGGTGGGATATTACGGAATGTGTCCAGCTTGATAGCTACAAATGAGGACCACA[G>T]GTATATATAGAGTTTTATATTACTTTTAAAGTACAGAATTCATACTCTCAAAAAGACCTA-3'
Protein context (NP_000029.2, residues 643-663): SSLIATNEDH[Arg653Met]QILRENNCLQ

ClinVar aggregate classification (germline): Pathogenic. Review status: criteria provided, multiple submitters, no conflicts (2 of 4 stars). 3 submissions from 3 submitters: Pathogenic (3). Last evaluated 2026-01-19.

Conditions:
Hereditary cancer-predisposing syndrome. Also called: Tumor predisposition; Hereditary Cancer Syndrome; Hereditary neoplastic syndrome; Neoplastic Syndromes, Hereditary. Identifiers: Orphanet 140162, MedGen C0027672, MeSH D009386, MONDO:0015356.
Familial adenomatous polyposis 1 (FAP1). Also called: FAMILIAL ADENOMATOUS POLYPOSIS 1, ATTENUATED; POLYPOSIS, ADENOMATOUS INTESTINAL. Identifiers: MedGen C2713442, MONDO:0021056, OMIM 175100. Disease mechanism: loss of function.

Submissions (3):

Labcorp Genetics (formerly Invitae), Labcorp
Classification: Pathogenic for Familial adenomatous polyposis 1. Last evaluated: 2026-01-19. Review status: criteria provided, single submitter. Criteria: Invitae Variant Classification Sherloc (09022015). Collection method: clinical testing. Allele origin: germline.
Comment: This sequence change affects codon 653 of the APC mRNA. It is a 'silent' change, meaning that it does not change the encoded amino acid sequence of the APC protein. This variant also falls at the last nucleotide of exon 15, which is part of the consensus splice site for this exon. This variant is not present in population databases (gnomAD no frequency). This variant has been observed in individual(s) with familial adenomatous polyposis (PMID: 19036155, 20685668, 23159591, 25590978, 33769591). It has also been observed to segregate with disease in related individuals. ClinVar contains an entry for this variant (Variation ID: 411463). An algorithm developed to predict the effect of missense changes on protein structure and function (PolyPhen-2) suggests that this variant is likely to be disruptive. Variants that disrupt the consensus splice site are a relatively common cause of aberrant splicing (PMID: 17576681, 9536098). Algorithms developed to predict the effect of sequence changes on RNA splicing suggest that this variant may disrupt the consensus splice site. This variant disrupts the c.1958G nucleotide in the APC gene. Other variant(s) that disrupt this nucleotide have been determined to be pathogenic (PMID: 18199528, 20685668, 24599579, 25590978; internal data). This suggests that this nucleotide is clinically significant, and that variants that disrupt this position are likely to be disease-causing. For these reasons, this variant has been classified as Pathogenic.

Ambry Genetics
Classification: Pathogenic for Hereditary cancer-predisposing syndrome. Last evaluated: 2025-03-06. Review status: criteria provided, single submitter. Criteria: Ambry Variant Classification Scheme 2023. Collection method: clinical testing. Allele origin: germline.
Comment: The c.1958G>T pathogenic mutation (also known as p.R653M), located in coding exon 14 of the APC gene, results from a G to T substitution at nucleotide position 1958. The arginine at codon 653 is replaced by methionine, an amino acid with similar properties. However, this change occurs in the last base pair of coding exon 14, which makes it likely to have some effect on normal mRNA splicing. This alteration has been identified in multiple patients with personal and families histories of colorectal cancer and/or polyposis (Nilbert M et al. BMC Med. Genet. 2008;9:101; Lagarde A et al. J Med Genet, 2010 Oct;47:721-2; Inra JA et al. Genet. Med. 2015 Oct;17(10):815-21; Ambry internal data). Additionally, a mutation at the same nucleotide position (c.1958G>C) was described in a patient with familial adenomatous polyposis, and abnormal splicing was confirmed upon mRNA transcript analysis (Tao H et al. BMC Res Notes 2010;3:305). This variant is considered to be rare based on population cohorts in the Genome Aggregation Database (gnomAD). This nucleotide position is highly conserved in available vertebrate species. In silico splice site analysis predicts that this alteration will weaken the native splice donor site. Based on the supporting evidence, this variant is interpreted as a disease-causing mutation.

Myriad Genetics, Inc.
Classification: Pathogenic for Familial adenomatous polyposis 1. Last evaluated: 2023-05-03. Review status: criteria provided, single submitter. Criteria: Myriad Autosomal Dominant, Autosomal Recessive and X-Linked Classification Criteria (2023). Collection method: clinical testing. Allele origin: unknown.
Comment: This variant is considered pathogenic. mRNA analysis has demonstrated abnormal mRNA splicing occurs [PMID: 15459959].

Literature cited by the submitters: PubMed 19036155 (cited by Labcorp Genetics (formerly Invitae), Labcorp and Ambry Genetics); PubMed 20685668 (cited by Labcorp Genetics (formerly Invitae), Labcorp and Ambry Genetics); PubMed 23159591 (cited by Labcorp Genetics (formerly Invitae), Labcorp); PubMed 25590978 (cited by Labcorp Genetics (formerly Invitae), Labcorp and Ambry Genetics); PubMed 33769591 (cited by Labcorp Genetics (formerly Invitae), Labcorp); PubMed 17576681 (cited by Labcorp Genetics (formerly Invitae), Labcorp); PubMed 9536098 (cited by Labcorp Genetics (formerly Invitae), Labcorp); PubMed 18199528 (cited by Labcorp Genetics (formerly Invitae), Labcorp); PubMed 24599579 (cited by Labcorp Genetics (formerly Invitae), Labcorp); PubMed 21078199 (cited by Ambry Genetics); PubMed 15459959 (cited by Myriad Genetics, Inc.).